The following is an entry in ClinVar:

NM_001987.5(ETV6):c.822G>A (p.Met274Ile)

Gene: ETV6 (ETS variant transcription factor 6; plus strand). Cytogenetic location: 12p13.2.
Variant type: single nucleotide variant.
Coding change: c.822G>A on transcript NM_001987.5 (MANE Select); coding-DNA position 822, G replaced by A.
Protein change: p.Met274Ile; replaces methionine 274 with isoleucine.
Molecular consequence: missense variant.
Genome position (GRCh38, 1-based): chr12:11,869,782, G>A. VCF-style: chr12-11869782-G-A. GRCh37 (hg19) VCF-style: chr12-12022716-G-A.
Other names: c.819G>A, p.Met273Ile (NM_001413913.1); c.795G>A, p.Met265Ile (NM_001413914.1); c.558G>A, p.Met186Ile (NM_001413915.1); c.822G>A, p.Met274Ile (NM_001413916.1, NM_001413917.1); short protein forms M186I, M273I, M265I, M274I.
Identifiers: ClinVar variation 5036207 (VCV005036207.1).

ClinVar aggregate classification (germline): Uncertain significance (1 of 4 stars; one submission).

Conditions:
Inborn genetic diseases. Identifiers: MedGen C0950123, MeSH D030342.

gnomAD v4.1: 1 of 1,613,186 alleles (0.000062%); highest among the groups gnomAD compares: Admixed American, 0.0017%; no homozygotes.

Submission:

Ambry Genetics
Classification: Uncertain significance for Inborn genetic diseases. Last evaluated: 2026-07-20. Review status: criteria provided, single submitter. Criteria: Ambry Variant Classification Scheme 2023. Collection method: clinical testing. Allele origin: germline.
Comment: The p.M274I variant (also known as c.822G>A), located in coding exon 5 of the ETV6 gene, results from a G to A substitution at nucleotide position 822. The methionine at codon 274 is replaced by isoleucine, an amino acid with highly similar properties. This amino acid position is conserved. In addition, this alteration is predicted to be tolerated by in silico analysis. Based on the available evidence, the clinical significance of this variant remains unclear.